The following is an entry in ClinVar:

NM_006859.4(LIAS):c.849C>T (p.Gly283=)

Gene: LIAS (lipoic acid synthetase; plus strand). Cytogenetic location: 4p14.
Variant type: single nucleotide variant.
Coding change: c.849C>T on transcript NM_006859.4 (MANE Select); coding-DNA position 849, C replaced by T.
Protein change: p.Gly283=; no amino-acid change (glycine 283 retained).
Molecular consequence: synonymous variant.
Genome position (GRCh38, 1-based): chr4:39,470,130, C>T. VCF-style: chr4-39470130-C-T. GRCh37 (hg19) VCF-style: chr4-39471750-C-T.
Other names: p.G283G:GGC>GGT; p.Gly283=; c.720C>T, p.Gly240= (NM_001278590.2); c.540C>T, p.Gly180= (NM_001363700.2); c.849C>T, p.Gly283= (NM_194451.3).
Identifiers: ClinVar variation 206038 (VCV000206038.18), dbSNP rs146030265, ClinGen allele CA315737.

ClinVar aggregate classification (germline): Benign/Likely benign. Review status: criteria provided, multiple submitters, no conflicts (2 of 4 stars). 4 submissions from 4 submitters: Benign (2); Likely benign (1). 1 of the submissions does not count toward it. Last evaluated 2026-01-11.

Conditions:
LIAS-related disorder. Also called: LIAS-related condition.
Lipoic acid synthetase deficiency. Also called: HYPERGLYCINEMIA, LACTIC ACIDOSIS, AND SEIZURES. Identifiers: Orphanet 401859, MedGen C3280887, MONDO:0013762, OMIM 614462.

Allele frequency attached by ClinVar (database versions not stated): gnomAD exomes 0.00044; ExAC 0.00055; 1000 Genomes Project 0.00060; 1000 Genomes Project 30x 0.00062; gnomAD 0.00168 and 0.00187; TOPMed 0.00196; ESP Exome Variant Server 0.00215.
gnomAD v4.1: 566 of 1,612,966 alleles (0.035%); highest among the groups gnomAD compares: African/African-American, 0.64%; 2 homozygotes.

Submissions (10):

Labcorp Genetics (formerly Invitae), Labcorp
Classification: Benign for Lipoic acid synthetase deficiency. Last evaluated: 2026-01-11. Review status: criteria provided, single submitter. Criteria: Invitae Variant Classification Sherloc (09022015). Collection method: clinical testing. Allele origin: germline.

Mayo Clinic Laboratories, Mayo Clinic
Classification: Benign. Last evaluated: 2025-03-24. Review status: criteria provided, single submitter. Criteria: ACMG Guidelines, 2015. Collection method: clinical testing. Allele origin: germline. Observed: 2 variant alleles.
Comment: BA1

GeneDx
Classification: Likely benign. Last evaluated: 2021-05-18. Review status: criteria provided, single submitter. Criteria: GeneDx Variant Classification Process June 2021. Collection method: clinical testing. Allele origin: germline. Affected: yes.
Comment: Has not been previously published as pathogenic or benign to our knowledge; In silico analysis, which includes splice predictors and evolutionary conservation, suggests this variant may impact gene splicing. In the absence of RNA/functional studies, the actual effect of this sequence change is unknown.

PreventionGenetics, part of Exact Sciences
Classification: Likely benign for LIAS-related condition. Last evaluated: 2024-04-16. Review status: no assertion criteria provided. Collection method: clinical testing. Allele origin: germline. Not counted in ClinVar's aggregate classification.
Comment: This variant is classified as likely benign based on ACMG/AMP sequence variant interpretation guidelines (Richards et al. 2015 PMID: 25741868, with internal and published modifications).

Dr. Peter K. Rogan Lab, Western University
No classification provided (evidence only). Condition: Familial cancer of breast. Review status: no classification provided. Collection method: in vitro. Allele origin: not applicable. Functional consequence: retained intron. Not counted in ClinVar's aggregate classification.

Dr. Peter K. Rogan Lab, Western University
No classification provided (evidence only). Condition: Familial cancer of breast. Review status: no classification provided. Collection method: in vitro. Allele origin: not applicable. Functional consequence: retained intron. Not counted in ClinVar's aggregate classification.

Dr. Peter K. Rogan Lab, Western University
No classification provided (evidence only). Condition: Colon adenocarcinoma. Review status: no classification provided. Collection method: in vitro. Allele origin: not applicable. Functional consequence: retained intron. Not counted in ClinVar's aggregate classification.

Dr. Peter K. Rogan Lab, Western University
No classification provided (evidence only). Condition: Thyroid cancer, nonmedullary, 1. Review status: no classification provided. Collection method: in vitro. Allele origin: not applicable. Functional consequence: retained intron. Not counted in ClinVar's aggregate classification.

Dr. Peter K. Rogan Lab, Western University
No classification provided (evidence only). Condition: Uterine corpus endometrial carcinoma. Review status: no classification provided. Collection method: in vitro. Allele origin: not applicable. Functional consequence: retained intron. Not counted in ClinVar's aggregate classification.

Dr. Peter K. Rogan Lab, Western University
No classification provided (evidence only). Condition: Gastric cancer. Review status: no classification provided. Collection method: in vitro. Allele origin: not applicable. Functional consequence: retained intron. Not counted in ClinVar's aggregate classification.